The following continues an entry in ClinVar:

NM_000152.5(GAA):c.925G>A (p.Gly309Arg)

Gene: GAA. ClinVar aggregate classification (germline): Pathogenic. Pathogenic (1).

Submissions 10 to 22 of 22:

ARUP Laboratories, Molecular Genetics and Genomics, ARUP Laboratories
Classification: Pathogenic for Glycogen storage disease, type II. Last evaluated: 2024-04-16. Review status: criteria provided, single submitter. Criteria: ARUP Molecular Germline Variant Investigation Process 2024. Collection method: clinical testing. Allele origin: germline. Not counted in ClinVar's aggregate classification.
Comment: The GAA c.925G>A; p.Gly309Arg variant (rs543300039) is reported homozygous and compound heterozygous in the literature in multiple individuals affected with Pompe disease (Aminoso 2022, Katona 2014, Kroos 1998, Thomas 2021). This variant is also reported in ClinVar (Variation ID: 188797) and is found in the general population with an overall allele frequency of 0.003% (7/244,726 alleles) in the Genome Aggregation Database (v2.1.1). Functional analyses of the variant protein show evidence of abnormal processing (Kroos 1998). Computational analyses predict that this variant is deleterious (REVEL: 0.963). Based on available information, this variant is considered to be pathogenic. References: Aminoso C et al. Genetic analysis of 76 Spanish Pompe disease patients: Identification of 12 novel pathogenic GAA variants and functional characterization of splicing variants. Gene. 2022 Jan 15;808:145967. PMID: 34530085. Katona I, Weis J, Hanisch F. Glycogenosome accumulation in the arrector pili muscle in Pompe disease. Orphanet J Rare Dis. 2014 Feb 5;9:17. PMID: 24495340. Kroos MA et al. Glycogen storage disease type II: identification of a dinucleotide deletion and a common missense mutation in the lysosomal alpha-glucosidase gene. Clin Genet. 1998 May;53(5):379-82. PMID: 9660056. Thomas DC et al. Lysosomal storage disorders: Novel and frequent pathogenic variants in a large cohort of Indian patients of Pompe, Fabry, Gaucher and Hurler disease. Clin Biochem. 2021 Mar;89:14-37. PMID: 33301762.

GeneDx
Classification: Pathogenic. Last evaluated: 2023-08-11. Review status: criteria provided, single submitter. Criteria: GeneDx Variant Classification Process June 2021. Collection method: clinical testing. Allele origin: germline. Affected: yes. Not counted in ClinVar's aggregate classification.
Comment: Published functional studies demonstrate significantly reduced enzyme activity (Dupe et al., 2022; Goomber et al., 2022); Not observed at significant frequency in large population cohorts (gnomAD); In silico analysis supports that this missense variant has a deleterious effect on protein structure/function; This variant is associated with the following publications: (PMID: 31254424, 33301762, 29653542, 30737479, 31086307, 32959227, 16838077, 9660056, 32071926, 16917947, 23402890, 34530085, 30367637, 24337590, 23601496, 31392188, 35302691, 36246652)

CeGaT Center for Human Genetics Tuebingen
Classification: Pathogenic. Last evaluated: 2020-11-01. Review status: criteria provided, single submitter. Criteria: CeGaT Center For Human Genetics Tuebingen Variant Classification Criteria Version 2. Collection method: clinical testing. Allele origin: germline. Affected: yes. Observed: 1 variant allele. Not counted in ClinVar's aggregate classification.

Broad Center for Mendelian Genomics, Broad Institute of MIT and Harvard
Classification: Pathogenic for Glycogen storage disease, type II. Last evaluated: 2020-01-22. Review status: criteria provided, single submitter. Criteria: ACMG Guidelines, 2015. Collection method: curation. Allele origin: germline. Inheritance: Autosomal recessive inheritance. Not counted in ClinVar's aggregate classification.
Comment: The p.Gly309Arg variant in GAA has been reported in at least 20 individuals (including 8 Dutch, 1 French, 1 Croatian, 1 Hispanic, 1 Greek) with Glycogen Storage Disease II, and segregated with disease in at least 4 affected relatives from 2 families (PMID: 9660056, 23430847, 27189384, 17616415, 23402890, 16917947, 24495340, 23601496, 16838077, 24245577; DOI: 10.21767/2380-7245.100010). This variant has also been reported likely pathogenic by Counsyl and pathogenic by EGL in ClinVar (Variation ID: 188797). This variant has been identified in 0.010% (1/9898) of Ashkenazi Jewish chromosomes, (5/110036) of 0.004% European (non-Finnish) chromosomes, and 0.003% (1/30458) of South Asian chromosomes by the Genome Aggregation Database (gnomAD; dbSNP rs543300039). Although this variant has been seen in the general population, its frequency is low enough to be consistent with a recessive carrier frequency. In vitro functional studies with COS cells transfected with this variant and pulse-chase analysis provide evidence that the p.Gly309Arg variant impacts GAA activity (PMID: 9660056). However, these types of assays may not accurately represent biological function. Computational prediction tools and conservation analyses suggest that this variant may impact the protein, though this information is not predictive enough to determine pathogenicity. The presence of this variant in combination with a pathogenic variant and in homozygosity in individuals with Glycogen Storage Disease II increases the likelihood that the p.Gly309Arg variant is pathogenic (PMID: 24495340, 23601496, 16838077). The phenotype of an individual homozygous or compound heterozygous for this variant is highly specific for Glycogen Storage Disease II with low GAA activity in leukocytes (PMID: 23430847, 23601496, 24495340, 17616415, DOI: 10.21767/2380-7245.100010). In summary, this variant meets criteria to be classified as pathogenic for Glycogen Storage Disease II in an autosomal recessive manner based on occurrences with a reported pathogenic variant in individuals with Glycogen Storage Disease II and other findings from the literature. ACMG/AMP Criteria applied: PM3, PM2, PP3, PP4, PS3 (Richards 2015).

Laboratory for Molecular Medicine, Mass General Brigham Personalized Medicine
Classification: Pathogenic for Glycogen storage disease, type II. Last evaluated: 2019-04-24. Review status: criteria provided, single submitter. Criteria: LMM Criteria. Collection method: clinical testing. Allele origin: germline. Inheritance: Autosomal recessive inheritance. Observed: 1 variant allele. Not counted in ClinVar's aggregate classification.
Comment: The p.Gly309Arg variant in GAA has been reported in the homozygous or compound heterozygous state in >10 individuals with Pompe disease (Kroos 1998, Kroos 2006, Montalvo 2006, Elder 2013, Hansel 2018). It has also been identified in 0.01% (1/9898) of Ashkenazi Jewish and 0.005% (5/110036) of European chromosomes by gnomAD; however, this frequency is low enough to be consistent with a recessive carrier frequency. This variant has been reported as Pathogenic and Likely Pathogenic in ClinVar (Variation ID 188797). Computational prediction tools and conservation analysis are consistent with pathogenicity. Additionally, an in vitro functional study supports an impact on protein function (Kroos 1998). In summary, the p.Gly309Arg variant meets criteria to be classified as pathogenic for autosomal recessive Pompe disease. ACMG/AMP Criteria applied: PM3_VeryStrong, PM2_Supporting, PP3, PS3_Supporting.

Women's Health and Genetics/Laboratory Corporation of America, LabCorp
Classification: Pathogenic for Glycogen storage disease, type II. Last evaluated: 2018-05-24. Review status: criteria provided, single submitter. Criteria: LabCorp Variant Classification Summary - May 2015. Collection method: clinical testing. Allele origin: germline. Not counted in ClinVar's aggregate classification.
Comment: Variant summary: GAA c.925G>A (p.Gly309Arg) results in a non-conservative amino acid change located in the Glycoside hydrolase family 31, N-terminal domain of the encoded protein sequence. Five of five in-silico tools predict a damaging effect of the variant on protein function. The variant allele was found at a frequency of 4.6e-05 in 108582 control chromosomes. This frequency is not higher than expected for a pathogenic variant in GAA causing Glycogen Storage Disease, Type 2 (Pompe Disease) (4.6e-05 vs 0.0042), allowing no conclusion about variant significance. c.925G>A has been reported in the literature in multiple individuals affected with Glycogen Storage Disease, Type 2 (Pompe Disease). These data indicate that the variant is very likely to be associated with disease. At least one publication reports experimental evidence evaluating an impact on protein function. The most pronounced variant effect results in <10% of normal activity. One clinical diagnostic laboratory has submitted clinical-significance assessments for this variant to ClinVar after 2014 and classified the variant as pathogenic. Based on the evidence outlined above, the variant was classified as pathogenic.

Eurofins Ntd Llc (ga)
Classification: Pathogenic. Last evaluated: 2017-01-24. Review status: criteria provided, single submitter. Criteria: EGL Classification Definitions 2015. Collection method: clinical testing. Allele origin: germline. Observed: 2 variant alleles, 2 heterozygotes. Not counted in ClinVar's aggregate classification.

Arcensus
Classification: Pathogenic for Glycogen storage disease, type II. Last evaluated: 2013-02-01. Review status: criteria provided, single submitter. Criteria: ACMG Guidelines, 2015. Collection method: clinical testing. Allele origin: germline. Affected: yes. Not counted in ClinVar's aggregate classification.

Neuberg Centre For Genomic Medicine, NCGM
Classification: Pathogenic for Glycogen storage disease, type II. Review status: criteria provided, single submitter. Criteria: ACMG Guidelines, 2015. Collection method: clinical testing. Allele origin: germline. Inheritance: Autosomal recessive inheritance. Affected: yes. Not counted in ClinVar's aggregate classification.
Comment: Experimental studies have shown that this missense change affects GAA function (Kroos MA, et.al., 1998).

Counsyl
Classification: Pathogenic for Glycogen storage disease, type II. Last evaluated: 2016-03-09. Review status: no assertion criteria provided. Collection method: clinical testing. Allele origin: unknown. Not counted in ClinVar's aggregate classification.

Clinical Genetics DNA and cytogenetics Diagnostics Lab, Erasmus MC, Erasmus Medical Center
Classification: Pathogenic. Review status: no assertion criteria provided. Collection method: clinical testing. Allele origin: germline. Affected: yes. Study: VKGL Data-share Consensus. Not counted in ClinVar's aggregate classification.

Genome Diagnostics Laboratory, University Medical Center Utrecht
Classification: Pathogenic. Review status: no assertion criteria provided. Collection method: clinical testing. Allele origin: germline. Affected: yes. Study: VKGL Data-share Consensus. Not counted in ClinVar's aggregate classification.

Joint Genome Diagnostic Labs from Nijmegen and Maastricht, Radboudumc and MUMC+
Classification: Likely pathogenic. Review status: no assertion criteria provided. Collection method: clinical testing. Allele origin: germline. Affected: yes. Study: VKGL Data-share Consensus. Not counted in ClinVar's aggregate classification.

Literature cited by the submitters: PubMed 38584574 (cited by Genomenon, Inc); PubMed 38250073 (cited by Genomenon, Inc); PubMed 37701327 (cited by Genomenon, Inc); PubMed 35302691 (cited by Genomenon, Inc); PubMed 34072668 (cited by Genomenon, Inc and Natera, Inc.); PubMed 33972680 (cited by Genomenon, Inc); PubMed 34020684 (cited by Genomenon, Inc); PubMed 33301762 (cited by Genomenon, Inc); PubMed 32518148 (cited by Genomenon, Inc); PubMed 31899940 (cited by Genomenon, Inc); PubMed 31545528 (cited by Genomenon, Inc); PubMed 36246652 (cited by Genomenon, Inc); PubMed 19862843 (cited by Genomenon, Inc and Variantyx, Inc.); PubMed 9660056 (cited by 8 submitters); PubMed 32071926 (cited by Genomenon, Inc); PubMed 16917947 (cited by 5 submitters); PubMed 17210890 (cited by Labcorp Genetics (formerly Invitae), Labcorp); PubMed 17616415 (cited by 3 submitters); PubMed 23601496 (cited by 4 submitters); PubMed 24245577 (cited by 3 submitters); PubMed 24495340 (cited by 4 submitters); PubMed 29122469 (cited by Labcorp Genetics (formerly Invitae), Labcorp); PubMed 16838077 (cited by 3 submitters); PubMed 23402890 (cited by 3 submitters); PubMed 23430847 (cited by 3 submitters); PubMed 31086307 (cited by Natera, Inc.); PubMed 23000108 (cited by Broad Center for Mendelian Genomics, Broad Institute of MIT and Harvard); PubMed 27189384 (cited by Broad Center for Mendelian Genomics, Broad Institute of MIT and Harvard); PubMed 29428273 (cited by Laboratory for Molecular Medicine, Mass General Brigham Personalized Medicine); PubMed 28957316 (cited by Laboratory for Molecular Medicine, Mass General Brigham Personalized Medicine); PubMed 29653542 (cited by Laboratory for Molecular Medicine, Mass General Brigham Personalized Medicine); PubMed 25455803 (cited by Counsyl); PubMed 26031770 (cited by Counsyl); PubMed 21216089 (cited by Counsyl).